The following is an entry in ClinVar:

NM_018671.5(UNC45A):c.2073+1G>A

Gene: UNC45A (unc-45 myosin chaperone A; plus strand). Cytogenetic location: 15q26.1.
Variant type: single nucleotide variant.
Coding change: c.2073+1G>A on transcript NM_018671.5 (MANE Select); the canonical splice donor site of the intron after coding-DNA position 2073, G replaced by A.
Molecular consequence: splice donor variant.
Genome position (GRCh38, 1-based): chr15:90,949,721, G>A. VCF-style: chr15-90949721-G-A. GRCh37 (hg19) VCF-style: chr15-91492951-G-A.
Other names: c.2028+1G>A (NM_001039675.2, NM_001323621.2); c.2073+1G>A (NM_001323619.1); c.1638+1G>A (NM_001323620.2).
Identifiers: ClinVar variation 4764392 (VCV004764392.1).
Genomic context (GRCh38, chr15:90,949,721, plus strand): 5'-TTGGCTTTAGTGGAAGAGGTAGAGGACCGAGGCACTGTGGTTGCCCAGGGAGGCGGCAGG[G>A]TAAGCTGGTTTACACACCCCTTCCTGATGGCTGAGCCATCAGCCTATAAAACATGACTCA-3'

ClinVar aggregate classification (germline): Likely pathogenic (1 of 4 stars; one submission).

gnomAD v4.1: 3 of 1,614,138 alleles (0.00019%); highest among the groups gnomAD compares: Non-Finnish European, 0.00025%; no homozygotes.

Submission:

Labcorp Genetics (formerly Invitae), Labcorp
Classification: Likely pathogenic. Last evaluated: 2025-12-18. Review status: criteria provided, single submitter. Criteria: Invitae Variant Classification Sherloc (09022015). Collection method: clinical testing. Allele origin: germline.
Comment: This sequence change affects a donor splice site in intron 15 of the UNC45A gene. It is expected to disrupt RNA splicing. Variants that disrupt the donor or acceptor splice site typically lead to a loss of protein function (PMID: 16199547), and loss-of-function variants in UNC45A are known to be pathogenic (PMID: 29429573, 35575086). This variant is not present in population databases (gnomAD no frequency). Disruption of this splice site has been observed in individual(s) with UNC45A-related conditions (PMID: 37328071). This variant is also known as c.2028+1G>A. Algorithms developed to predict the effect of sequence changes on RNA splicing suggest that this variant may disrupt the consensus splice site. In summary, the currently available evidence indicates that the variant is pathogenic, but additional data are needed to prove that conclusively. Therefore, this variant has been classified as Likely Pathogenic.

Literature cited by the submitters: PubMed 16199547; PubMed 29429573; PubMed 35575086; PubMed 37328071.